The following is an entry in ClinVar:

ClinVar aggregate classification (germline): Uncertain significance. Review status: criteria provided, multiple submitters, no conflicts (2 of 4 stars). 2 submissions from 2 submitters: Uncertain significance (2). Last evaluated 2025-06-25.

Submissions (2):

Labcorp Genetics (formerly Invitae), Labcorp
Classification: Uncertain significance. Last evaluated: 2025-06-25. Review status: criteria provided, single submitter. Criteria: Invitae Variant Classification Sherloc (09022015). Collection method: clinical testing. Allele origin: germline.
Comment: This sequence change creates a premature translational stop signal (p.Arg205*) in the GALNT12 gene. It is expected to result in an absent or disrupted protein product. However, the current clinical and genetic evidence is not sufficient to establish whether loss-of-function variants in GALNT12 cause disease. This variant is not present in population databases (gnomAD no frequency). This variant has not been reported in the literature in individuals affected with GALNT12-related conditions. ClinVar contains an entry for this variant (Variation ID: 2447041). In summary, the available evidence is currently insufficient to determine the role of this variant in disease. Therefore, it has been classified as a Variant of Uncertain Significance.

Ambry Genetics
Classification: Uncertain significance. Last evaluated: 2022-12-14. Review status: criteria provided, single submitter. Criteria: Ambry Variant Classification Scheme 2023. Collection method: clinical testing. Allele origin: germline.
Comment: The p.R205* variant (also known as c.613A>T), located in coding exon 3 of the GALNT12 gene, results from an A to T substitution at nucleotide position 613. This changes the amino acid from an arginine to a stop codon within coding exon 3. This alteration is expected to result in loss of function by premature protein truncation or nonsense-mediated mRNA decay. However, the evidence for this gene-disease relationship is limited; therefore, the clinical significance of this alteration is unclear.

NM_024642.5(GALNT12):c.613A>T (p.Arg205Ter)

Gene: GALNT12 (polypeptide N-acetylgalactosaminyltransferase 12; plus strand). Cytogenetic location: 9q22.33.
Variant type: single nucleotide variant.
Coding change: c.613A>T on transcript NM_024642.5 (MANE Select); coding-DNA position 613, A replaced by T.
Protein change: p.Arg205Ter; replaces arginine 205 with a stop codon.
Molecular consequence: nonsense.
Genome position (GRCh38, 1-based): chr9:98,826,823, A>T. VCF-style: chr9-98826823-A-T. GRCh37 (hg19) VCF-style: chr9-101589105-A-T.
Other names: short protein forms R205*.
Identifiers: ClinVar variation 2447041 (VCV002447041.3), dbSNP rs766652774, ClinGen allele CA374217514.
Genomic context (GRCh38, chr9:98,826,823, plus strand): 5'-GAGCGCTTGGCCAATGAGCTTTCGGGACTGCCCAAGGTGCGCCTGATCCGCGCCAACAAG[A>T]GAGAGGGCCTGGTGCGAGCCCGGCTGCTGGGGGCGTCTGCGGCGAGGGGCGATGTTCTGA-3'